The following is an entry in ClinVar:

ClinVar aggregate classification (germline): Conflicting classifications of pathogenicity. Review status: criteria provided, conflicting classifications (1 of 4 stars). 4 submissions from 4 submitters: Pathogenic (1); Likely pathogenic (2); Uncertain significance (1). Last evaluated 2024-11-03.

Conditions:
PROC-related disorder. Also called: PROC-related condition.
Thrombophilia due to protein C deficiency, autosomal recessive. Also called: PROC DEFICIENCY, AUTOSOMAL RECESSIVE; PROTEIN C DEFICIENCY, AUTOSOMAL RECESSIVE. Identifiers: Orphanet 745, MedGen C2676759, MONDO:0012860, OMIM 612304.
Thrombophilia due to protein C deficiency, autosomal dominant. Also called: PROC DEFICIENCY, AUTOSOMAL DOMINANT; PROTEIN C DEFICIENCY, AUTOSOMAL DOMINANT. Identifiers: Orphanet 745, MedGen C2674321, MONDO:0008316, OMIM 176860. Disease mechanism: loss of function.

Allele frequency attached by ClinVar (database versions not stated): gnomAD exomes below 0.00001; ExAC 0.00001.
gnomAD v4.1: 1 of 1,612,042 alleles (0.000062%); highest among the groups gnomAD compares: Admixed American, 0.0017%; no homozygotes.

Submissions (4):

GeneDx
Classification: Uncertain significance. Last evaluated: 2024-11-03. Review status: criteria provided, single submitter. Criteria: GeneDx Variant Classification Process June 2021. Collection method: clinical testing. Allele origin: germline. Affected: yes.
Comment: Not observed at significant frequency in large population cohorts (gnomAD); Nonsense variant predicted to result in protein truncation or nonsense mediated decay in a gene or region of a gene for which loss of function is not a well-established mechanism of disease; Has not been previously published as pathogenic or benign to our knowledge; This variant is associated with the following publications: (PMID: 33537542)

Blueprint Genetics
Classification: Likely pathogenic for PROC-related disorders. Last evaluated: 2024-07-08. Review status: criteria provided, single submitter. Criteria: ACMG Guidelines, 2015. Collection method: clinical testing. Allele origin: germline. Affected: yes. Observed: 1 variant allele.

Labcorp Genetics (formerly Invitae), Labcorp
Classification: Pathogenic for Thrombophilia due to protein C deficiency, autosomal dominant. Last evaluated: 2023-07-18. Review status: criteria provided, single submitter. Criteria: Invitae Variant Classification Sherloc (09022015). Collection method: clinical testing. Allele origin: germline.
Comment: This sequence change creates a premature translational stop signal (p.Cys101*) in the PROC gene. It is expected to result in an absent or disrupted protein product. Loss-of-function variants in PROC are known to be pathogenic (PMID: 17152060). This variant is present in population databases (rs764808999, gnomAD 0.003%). This variant has not been reported in the literature in individuals affected with PROC-related conditions. ClinVar contains an entry for this variant (Variation ID: 1455313). For these reasons, this variant has been classified as Pathogenic.

Fulgent Genetics
Classification: Likely pathogenic for Thrombophilia due to protein C deficiency, autosomal dominant; Thrombophilia due to protein C deficiency, autosomal recessive. Last evaluated: 2022-02-08. Review status: criteria provided, single submitter. Criteria: ACMG Guidelines, 2015. Collection method: clinical testing. Allele origin: unknown.

Literature cited by the submitters: PubMed 17152060 (cited by Labcorp Genetics (formerly Invitae), Labcorp).

NM_000312.4(PROC):c.303C>A (p.Cys101Ter)

Gene: PROC (protein C, inactivator of coagulation factors Va and VIIIa; plus strand). Cytogenetic location: 2q14.3.
Variant type: single nucleotide variant.
Coding change: c.303C>A on transcript NM_000312.4 (MANE Select); coding-DNA position 303, C replaced by A.
Protein change: p.Cys101Ter; replaces cysteine 101 with a stop codon.
Molecular consequence: nonsense. On other transcripts: missense variant (1).
Genome position (GRCh38, 1-based): chr2:127,423,074, C>A. VCF-style: chr2-127423074-C-A. GRCh37 (hg19) VCF-style: chr2-128180650-C-A.
Other names: c.486C>A, p.Cys162Ter (NM_001375602.1); c.366C>A, p.Cys122Ter (NM_001375603.1, NM_001375604.1); c.303C>A, p.Cys101Ter (NM_001375605.1, NM_001375608.1, NM_001375611.1 and 1 more transcripts); c.458C>A, p.Ala153Glu (NM_001375606.1); c.387C>A, p.Cys129Ter (NM_001375607.1); c.279C>A, p.Cys93Ter (NM_001375609.1); c.297C>A, p.Cys99Ter (NM_001375610.1); c.303C>A (NM_000312.3); short protein forms A153E, C129*, C162*, C99*, C101*, C122*, C93*.
Identifiers: ClinVar variation 1455313 (VCV001455313.9), dbSNP rs764808999, ClinGen allele CA1859314.